The following is an entry in ClinVar:

NM_015662.3(IFT172):c.2496C>T (p.Tyr832=)

Gene: IFT172 (intraflagellar transport 172; minus strand). Cytogenetic location: 2p23.3.
Variant type: single nucleotide variant.
Coding change: c.2496C>T on transcript NM_015662.3 (MANE Select); coding-DNA position 2496, C replaced by T.
Protein change: p.Tyr832=; no amino-acid change (tyrosine 832 retained).
Molecular consequence: synonymous variant.
Genome position (GRCh38, 1-based): chr2:27,461,040, G>A on the plus strand (C>T on the coding strand, the complement: IFT172 is on the minus strand). VCF-style: chr2-27461040-G-A. GRCh37 (hg19) VCF-style: chr2-27683907-G-A.
Other names: c.2496C>T (NM_015662.2).
Identifiers: ClinVar variation 1128172 (VCV001128172.10), dbSNP rs377514145, ClinGen allele CA1580291.

ClinVar aggregate classification (germline): Likely benign. Review status: criteria provided, single submitter (1 of 4 stars). 2 submissions from 2 submitters: Likely benign (1). 1 of the submissions does not count toward it. Last evaluated 2022-02-04.

Conditions:
Short-rib thoracic dysplasia 10 with or without polydactyly (SRTD10). Identifiers: Orphanet 474, MedGen C3810175, MONDO:0014284, OMIM 615630.
Retinitis pigmentosa 71 (RP71). Identifiers: Orphanet 791, MedGen C4225342, MONDO:0014618, OMIM 616394.
IFT172-related disorder. Also called: IFT172-related disorders; IFT172-related condition.

Allele frequency attached by ClinVar (database versions not stated): TOPMed below 0.00001; ExAC 0.00002; ESP Exome Variant Server 0.00008.
gnomAD v4.1: 2 of 1,614,128 alleles (0.00012%); highest among the groups gnomAD compares: Admixed American, 0.0033%; no homozygotes.

Submissions (2):

Labcorp Genetics (formerly Invitae), Labcorp
Classification: Likely benign for Retinitis pigmentosa 71; Short-rib thoracic dysplasia 10 with or without polydactyly. Last evaluated: 2022-02-04. Review status: criteria provided, single submitter. Criteria: Invitae Variant Classification Sherloc (09022015). Collection method: clinical testing. Allele origin: germline.

PreventionGenetics, part of Exact Sciences
Classification: Likely benign for IFT172-related condition. Last evaluated: 2020-06-01. Review status: no assertion criteria provided. Collection method: clinical testing. Allele origin: germline. Not counted in ClinVar's aggregate classification.
Comment: This variant is classified as likely benign based on ACMG/AMP sequence variant interpretation guidelines (Richards et al. 2015 PMID: 25741868, with internal and published modifications).